The following is an entry in ClinVar:

NM_000702.4(ATP1A2):c.3020G>C (p.Arg1007Pro)

Gene: ATP1A2 (ATPase Na+/K+ transporting subunit alpha 2; plus strand). Cytogenetic location: 1q23.2.
Variant type: single nucleotide variant.
Coding change: c.3020G>C on transcript NM_000702.4 (MANE Select); coding-DNA position 3020, G replaced by C.
Protein change: p.Arg1007Pro; replaces arginine 1007 with proline.
Molecular consequence: missense variant.
Genome position (GRCh38, 1-based): chr1:160,139,970, G>C. VCF-style: chr1-160139970-G-C. GRCh37 (hg19) VCF-style: chr1-160109760-G-C.
Other names: short protein forms R1007P.
Identifiers: ClinVar variation 1256581 (VCV001256581.2), dbSNP rs754878991, ClinGen allele CA343256664.

ClinVar aggregate classification (germline): Uncertain significance. Review status: criteria provided, multiple submitters, no conflicts (2 of 4 stars). 2 submissions from 2 submitters: Uncertain significance (2). Last evaluated 2024-10-09.

Submissions (2):

GeneDx
Classification: Uncertain significance. Last evaluated: 2024-10-09. Review status: criteria provided, single submitter. Criteria: GeneDx Variant Classification Process June 2021. Collection method: clinical testing. Allele origin: germline. Affected: yes.
Comment: Not observed at significant frequency in large population cohorts (gnomAD); In silico analysis supports that this missense variant has a deleterious effect on protein structure/function; Has not been previously published as pathogenic or benign to our knowledge

Athena Diagnostics
Classification: Uncertain significance. Last evaluated: 2020-10-26. Review status: criteria provided, single submitter. Criteria: Athena Diagnostics criteria. Collection method: clinical testing. Allele origin: unknown.